The following is an entry in ClinVar:

NM_001649.4(SHROOM2):c.1789C>T (p.Arg597Trp)

Gene: SHROOM2 (shroom family member 2; plus strand). Cytogenetic location: Xp22.2.
Variant type: single nucleotide variant.
Coding change: c.1789C>T on transcript NM_001649.4 (MANE Select); coding-DNA position 1789, C replaced by T.
Protein change: p.Arg597Trp; replaces arginine 597 with tryptophan.
Molecular consequence: missense variant.
Genome position (GRCh38, 1-based): chrX:9,895,697, C>T. VCF-style: chrX-9895697-C-T. GRCh37 (hg19) VCF-style: chrX-9863737-C-T.
Other names: c.1789C>T (NM_001649.2); short protein forms R597W.
Identifiers: ClinVar variation 3037492 (VCV003037492.3), dbSNP rs374862299, ClinGen allele CA10345451.

ClinVar aggregate classification (germline): Uncertain significance. Review status: criteria provided, single submitter (1 of 4 stars). 2 submissions from 2 submitters: Uncertain significance (1). 1 of the submissions does not count toward it. Last evaluated 2024-12-03.

Conditions:
SHROOM2-related disorder. Also called: SHROOM2-related condition.

Allele frequency attached by ClinVar (database versions not stated): gnomAD exomes 0.00003; ESP Exome Variant Server 0.00010; TOPMed 0.00010; 1000 Genomes Project 30x 0.00021; gnomAD 0.00022; 1000 Genomes Project 0.00026; ExAC 0.00035.
gnomAD v4.1: 51 of 1,184,077 alleles (0.0043%); highest among the groups gnomAD compares: African/African-American, 0.061%; no homozygotes.

Submissions (2):

Ambry Genetics
Classification: Uncertain significance. Last evaluated: 2024-12-03. Review status: criteria provided, single submitter. Criteria: Ambry Variant Classification Scheme 2023. Collection method: clinical testing. Allele origin: germline.

PreventionGenetics, part of Exact Sciences
Classification: Likely benign for SHROOM2-related condition. Last evaluated: 2019-05-01. Review status: no assertion criteria provided. Collection method: clinical testing. Allele origin: germline. Not counted in ClinVar's aggregate classification.
Comment: This variant is classified as likely benign based on ACMG/AMP sequence variant interpretation guidelines (Richards et al. 2015 PMID: 25741868, with internal and published modifications).